The following is an entry in ClinVar:

ClinVar aggregate classification (germline): Pathogenic (1 of 4 stars; one submission).

Conditions:
Inborn genetic diseases. Identifiers: MedGen C0950123, MeSH D030342.

Submission:

Ambry Genetics
Classification: Pathogenic for Inborn genetic diseases. Last evaluated: 2017-09-20. Review status: criteria provided, single submitter. Criteria: Ambry Variant Classification Scheme 2023. Collection method: clinical testing. Allele origin: germline.
Comment: The c.3779-2A>G intronic pathogenic mutation results from an A to G substitution two nucleotides upstream from coding exon 15 in the CHD7 gene. This mutation was identified in an individual meeting diagnostic criteria for CHARGE syndrome (Jongmans MC et al. J. Med. Genet., 2006 Apr;43:306-14). In addition to the clinical data presented in the literature, alterations that disrupt the canonical splice site are expected to cause aberrant splicing, resulting in an abnormal protein or a transcript that is subject to nonsense-mediated mRNA decay. As such, this alteration is classified as a disease-causing mutation.

Literature cited by the submitters: PubMed 16155193; PubMed 21158681.

NM_017780.4(CHD7):c.3779-2A>G

Gene: CHD7 (chromodomain helicase DNA binding protein 7; plus strand). Cytogenetic location: 8q12.2.
Variant type: single nucleotide variant.
Coding change: c.3779-2A>G on transcript NM_017780.4 (MANE Select); the canonical splice acceptor site of the intron before coding-DNA position 3779, A replaced by G.
Molecular consequence: splice acceptor variant. On other transcripts: intron variant (1).
Genome position (GRCh38, 1-based): chr8:60,836,071, A>G. VCF-style: chr8-60836071-A-G. GRCh37 (hg19) VCF-style: chr8-61748630-A-G.
Other names: c.1717-26158A>G (NM_001316690.1).
Identifiers: ClinVar variation 1734818 (VCV001734818.2), dbSNP rs2487894669, ClinGen allele CA371316077.